The following is an entry in ClinVar:

ClinVar aggregate classification (germline): Likely pathogenic (1 of 4 stars; one submission).

Conditions:
GLB1-related disorder. Also called: GLB1-related disorders. Identifiers: MedGen CN377807.

Submission:

Myriad Genetics, Inc.
Classification: Likely pathogenic for GLB1-related disorder. Last evaluated: 2019-03-09. Review status: criteria provided, single submitter. Criteria: Myriad Autosomal Dominant, Autosomal Recessive and X-Linked Classification Criteria (2023). Collection method: clinical testing. Allele origin: unknown.
Comment: NM_000404.2(GLB1):c.1312G>T(G438*) is expected to be pathogenic in the context of GLB1-related disorders. This variant is predicted to lead to an abnormal or absent protein product due to the creation of a premature termination codon in GLB1, a gene where loss-of-function variants are known to be pathogenic. Please note: this variant was assessed in the context of healthy population screening.

NM_000404.4(GLB1):c.1312G>T (p.Gly438Ter)

Gene: GLB1 (galactosidase beta 1; minus strand). Cytogenetic location: 3p22.3.
Variant type: single nucleotide variant.
Coding change: c.1312G>T on transcript NM_000404.4 (MANE Select); coding-DNA position 1312, G replaced by T.
Protein change: p.Gly438Ter; replaces glycine 438 with a stop codon.
Molecular consequence: nonsense.
Genome position (GRCh38, 1-based): chr3:33,018,483, C>A on the plus strand (G>T on the coding strand, the complement: GLB1 is on the minus strand). VCF-style: chr3-33018483-C-A. GRCh37 (hg19) VCF-style: chr3-33059975-C-A.
Other names: c.1222G>T, p.Gly408Ter (NM_001079811.3); c.919G>T, p.Gly307Ter (NM_001135602.3); c.1456G>T, p.Gly486Ter (NM_001317040.2); short protein forms G307*, G408*, G438*, G486*.
Identifiers: ClinVar variation 983740 (VCV000983740.4), dbSNP rs1697334156, ClinGen allele CA351992162.